The following is an entry in ClinVar:

ClinVar aggregate classification (germline): Likely benign (0 of 4 stars; one submission).

Conditions:
PDE4D-related disorder. Also called: PDE4D-related condition.

gnomAD v4.1: 9 of 152,262 alleles (0.0059%); highest among the groups gnomAD compares: South Asian, 0.021%; no homozygotes.

Submission:

PreventionGenetics, part of Exact Sciences
Classification: Likely benign for PDE4D-related condition. Last evaluated: 2024-04-16. Review status: no assertion criteria provided. Collection method: clinical testing. Allele origin: germline.
Comment: This variant is classified as likely benign based on ACMG/AMP sequence variant interpretation guidelines (Richards et al. 2015 PMID: 25741868, with internal and published modifications).

NM_001349241.2(PDE4D):c.12+8T>A

Gene: PDE4D (phosphodiesterase 4D; minus strand). Cytogenetic location: 5q12.1.
Variant type: single nucleotide variant.
Coding change: c.12+8T>A on transcript NM_001349241.2; 8 bases into the intron after coding-DNA position 12, T replaced by A.
Molecular consequence: intron variant.
Genome position (GRCh38, 1-based): chr5:60,004,266, A>T on the plus strand (T>A on the coding strand, the complement: PDE4D is on the minus strand). VCF-style: chr5-60004266-A-T. GRCh37 (hg19) VCF-style: chr5-59300093-A-T.
Other names: c.43-15549T>A (NM_001364599.1, NM_001165899.2, NM_001364600.2); c.-470+8T>A (NM_001349243.2).
Identifiers: ClinVar variation 3354637 (VCV003354637.1).